The following is an entry in ClinVar:

NM_001035.3(RYR2):c.10142+6A>T

Gene: RYR2 (ryanodine receptor 2; plus strand). Cytogenetic location: 1q43.
Variant type: single nucleotide variant.
Coding change: c.10142+6A>T on transcript NM_001035.3 (MANE Select); 6 bases into the intron after coding-DNA position 10142, A replaced by T.
Molecular consequence: intron variant.
Genome position (GRCh38, 1-based): chr1:237,709,104, A>T. VCF-style: chr1-237709104-A-T. GRCh37 (hg19) VCF-style: chr1-237872404-A-T.
Other names: c.10142+6A>T (LRG_402t1).
Identifiers: ClinVar variation 666008 (VCV000666008.8), dbSNP rs766051753, ClinGen allele CA084174.

ClinVar aggregate classification (germline): Uncertain significance (1 of 4 stars; one submission).

Conditions:
Catecholaminergic polymorphic ventricular tachycardia 1. Also called: VENTRICULAR TACHYCARDIA, CATECHOLAMINERGIC POLYMORPHIC, 1, WITH OR WITHOUT ATRIAL DYSFUNCTION AND/OR DILATED CARDIOMYOPATHY; VENTRICULAR TACHYCARDIA, STRESS-INDUCED POLYMORPHIC 1; RYR2-Related Catecholaminergic Polymorphic Ventricular Tachycardia. Identifiers: Orphanet 3286, MedGen C1631597, MONDO:0011484, OMIM 604772.

Allele frequency attached by ClinVar (database versions not stated): gnomAD exomes below 0.00001 and 0.00001; ExAC 0.00002.
gnomAD v4.1: 2 of 1,551,590 alleles (0.00013%); highest among the groups gnomAD compares: East Asian, 0.0045%; no homozygotes.

Submission:

Labcorp Genetics (formerly Invitae), Labcorp
Classification: Uncertain significance for Catecholaminergic polymorphic ventricular tachycardia 1. Last evaluated: 2025-01-26. Review status: criteria provided, single submitter. Criteria: Invitae Variant Classification Sherloc (09022015). Collection method: clinical testing. Allele origin: germline.
Comment: This sequence change falls in intron 69 of the RYR2 gene. It does not directly change the encoded amino acid sequence of the RYR2 protein. It affects a nucleotide within the consensus splice site. This variant is present in population databases (rs766051753, gnomAD 0.01%). This variant has not been reported in the literature in individuals affected with RYR2-related conditions. ClinVar contains an entry for this variant (Variation ID: 666008). Variants that disrupt the consensus splice site are a relatively common cause of aberrant splicing (PMID: 17576681, 9536098). Algorithms developed to predict the effect of sequence changes on RNA splicing suggest that this variant is not likely to affect RNA splicing. In summary, the available evidence is currently insufficient to determine the role of this variant in disease. Therefore, it has been classified as a Variant of Uncertain Significance.

Literature cited by the submitters: PubMed 17576681; PubMed 9536098.